The following is an entry in ClinVar:

ClinVar aggregate classification (germline): Uncertain significance (1 of 4 stars; one submission).

Conditions:
Joubert syndrome 23 (JBTS23). Identifiers: Orphanet 475, MedGen C4084822, MONDO:0014664, OMIM 616490.
Short-rib thoracic dysplasia 14 with polydactyly (SRTD14). Identifiers: Orphanet 397715, MedGen C4225286, MONDO:0014688, OMIM 616546.

Submission:

Labcorp Genetics (formerly Invitae), Labcorp
Classification: Uncertain significance for Joubert syndrome 23; Short-rib thoracic dysplasia 14 with polydactyly. Last evaluated: 2022-04-04. Review status: criteria provided, single submitter. Criteria: Invitae Variant Classification Sherloc (09022015). Collection method: clinical testing. Allele origin: germline.
Comment: In summary, the available evidence is currently insufficient to determine the role of this variant in disease. Therefore, it has been classified as a Variant of Uncertain Significance. This sequence change replaces proline, which is neutral and non-polar, with leucine, which is neutral and non-polar, at codon 1115 of the KIAA0586 protein (p.Pro1115Leu). This variant is not present in population databases (gnomAD no frequency). This variant has not been reported in the literature in individuals affected with KIAA0586-related conditions. Algorithms developed to predict the effect of missense changes on protein structure and function (SIFT, PolyPhen-2, Align-GVGD) all suggest that this variant is likely to be disruptive.

NM_001329943.3(KIAA0586):c.3185C>T (p.Pro1062Leu)

Gene: KIAA0586 (KIAA0586; plus strand). Cytogenetic location: 14q23.1.
Variant type: single nucleotide variant.
Coding change: c.3185C>T on transcript NM_001329943.3 (MANE Select); coding-DNA position 3185, C replaced by T.
Protein change: p.Pro1062Leu; replaces proline 1062 with leucine.
Molecular consequence: missense variant.
Genome position (GRCh38, 1-based): chr14:58,487,047, C>T. VCF-style: chr14-58487047-C-T. GRCh37 (hg19) VCF-style: chr14-58953765-C-T.
Other names: c.3344C>T, p.Pro1115Leu (NM_001244189.2); c.3140C>T, p.Pro1047Leu (NM_001244190.2); c.2930C>T, p.Pro977Leu (NM_001244191.2, NM_001329945.2, NM_001364700.1 and 1 more transcripts); c.3053C>T, p.Pro1018Leu (NM_001244192.2); c.2765C>T, p.Pro922Leu (NM_001244193.2); c.3185C>T, p.Pro1062Leu (NM_001329944.2, NM_001329946.2, NM_001329947.2); c.2957C>T, p.Pro986Leu (NM_014749.5); short protein forms P922L, P986L, P1062L, P1115L, P1018L, P1047L, P977L.
Identifiers: ClinVar variation 2121674 (VCV002121674.4), dbSNP rs2042502071, ClinGen allele CA389880736.